The following is an entry in ClinVar:

ClinVar aggregate classification (germline): Uncertain significance (1 of 4 stars; one submission).

Conditions:
RDH12-related disorder. Also called: RDH12-related disorders; RDH12-related condition.

gnomAD v4.1: 6 of 1,613,814 alleles (0.00037%); highest among the groups gnomAD compares: African/African-American, 0.0013%; no homozygotes.

Submission:

PreventionGenetics, part of Exact Sciences
Classification: Uncertain significance for RDH12-related condition. Last evaluated: 2026-05-18. Review status: criteria provided, single submitter. Criteria: ACMG Guidelines, 2015. Collection method: clinical testing. Allele origin: germline.
Comment: The RDH12 c.38C>T variant is predicted to result in the amino acid substitution p.Ser13Leu. To our knowledge, this variant has not been reported in the literature or in a large population database (gnomAD), indicating this variant is rare. At this time, the clinical significance of this variant is uncertain due to the absence of conclusive functional and genetic evidence.

NM_152443.3(RDH12):c.38C>T (p.Ser13Leu)

Genes: GPHN (gephyrin; plus strand), RDH12 (retinol dehydrogenase 12; plus strand). Cytogenetic location: 14q24.1.
Variant type: single nucleotide variant.
Coding change: c.38C>T on transcript NM_152443.3 (MANE Select); coding-DNA position 38, C replaced by T.
Protein change: p.Ser13Leu; replaces serine 13 with leucine.
Molecular consequence: missense variant.
Genome position (GRCh38, 1-based): chr14:67,722,680, C>T. VCF-style: chr14-67722680-C-T. GRCh37 (hg19) VCF-style: chr14-68189397-C-T.
Other names: short protein forms S13L.
Identifiers: ClinVar variation 4987811 (VCV004987811.1).
Genomic context (GRCh38, chr14:67,722,680, plus strand): 5'-CAGCAGCTACAGAAGTTGGAACGATGCTGGTCACCTTGGGACTGCTCACCTCCTTCTTCT[C>T]GTTCCTGTATATGGTAGCTCCATCCATCAGGTTTGTCTTAATTCAGCAACTCAAACAATC-3'
Protein context (NP_689656.2, residues 3-23): VTLGLLTSFF[Ser13Leu]FLYMVAPSIR